The following is an entry in ClinVar:

ClinVar aggregate classification (germline): Likely pathogenic (1 of 4 stars; one submission).

Submission:

Labcorp Genetics (formerly Invitae), Labcorp
Classification: Likely pathogenic. Last evaluated: 2023-08-04. Review status: criteria provided, single submitter. Criteria: Invitae Variant Classification Sherloc (09022015). Collection method: clinical testing. Allele origin: germline.
Comment: ClinVar contains an entry for this variant (Variation ID: 2106379). This variant has not been reported in the literature in individuals affected with COL4A5-related conditions. This variant is not present in population databases (gnomAD no frequency). This sequence change replaces glycine, which is neutral and non-polar, with aspartic acid, which is acidic and polar, at codon 588 of the COL4A5 protein (p.Gly588Asp). In summary, the currently available evidence indicates that the variant is pathogenic, but additional data are needed to prove that conclusively. Therefore, this variant has been classified as Likely Pathogenic. This variant disrupts the triple helix domain of COL4A5. Glycine residues within the Gly-Xaa-Yaa repeats of the triple helix domain are required for the structure and stability of fibrillar collagens (PMID: 7695699, 8218237, 19344236). In COL4A5, missense variants at these glycine residues are significantly enriched in individuals with disease (PMID: 23720012, 27627812) compared to the general population (ExAC). Advanced modeling of protein sequence and biophysical properties (such as structural, functional, and spatial information, amino acid conservation, physicochemical variation, residue mobility, and thermodynamic stability) performed at Invitae indicates that this missense variant is expected to disrupt COL4A5 protein function.

Literature cited by the submitters: PubMed 7695699; PubMed 8218237; PubMed 19344236; PubMed 23720012; PubMed 27627812.

NM_033380.3(COL4A5):c.1763G>A (p.Gly588Asp)

Gene: COL4A5 (collagen type IV alpha 5 chain; plus strand). Cytogenetic location: Xq22.3.
Variant type: single nucleotide variant.
Coding change: c.1763G>A on transcript NM_033380.3 (MANE Select); coding-DNA position 1763, G replaced by A.
Protein change: p.Gly588Asp; replaces glycine 588 with aspartic acid.
Molecular consequence: missense variant.
Genome position (GRCh38, 1-based): chrX:108,597,552, G>A. VCF-style: chrX-108597552-G-A. GRCh37 (hg19) VCF-style: chrX-107840782-G-A.
Other names: c.1763G>A, p.Gly588Asp (NM_000495.5); short protein forms G588D.
Identifiers: ClinVar variation 2106379 (VCV002106379.4), dbSNP rs2524309012, ClinGen allele CA413845553.